The following is an entry in ClinVar:

ClinVar aggregate classification (germline): Uncertain significance (1 of 4 stars; one submission).

Allele frequency attached by ClinVar (database versions not stated): gnomAD exomes below 0.00001 and 0.00001; ExAC 0.00001.
gnomAD v4.1: 6 of 1,614,132 alleles (0.00037%); highest among the groups gnomAD compares: Non-Finnish European, 0.00042%; no homozygotes.

Submission:

GeneDx
Classification: Uncertain significance. Last evaluated: 2018-07-27. Review status: criteria provided, single submitter. Criteria: GeneDx Variant Classification (06012015). Collection method: clinical testing. Allele origin: germline. Affected: yes.
Comment: The D35G variant in the ATP8B1 gene has not been reported previously as a pathogenic variant, nor as a benign variant, to our knowledge. The D35G variant is observed in 1/66740 (0.0015%) alleles from individuals of non-Finnish European background in the ExAC dataset (Lek et al., 2016). The D35G variant is a non-conservative amino acid substitution, which is likely to impact secondary protein structure as these residues differ in polarity, charge, size and/or other properties. This substitution occurs at a position that is not conserved across species. In silico analysis is inconsistent in its predictions as to whether or not the variant is damaging to the protein structure/function. We interpret D35G as a variant of uncertain significance.

NM_001374385.1(ATP8B1):c.104A>G (p.Asp35Gly)

Gene: ATP8B1 (ATPase phospholipid transporting 8B1; minus strand). Cytogenetic location: 18q21.31.
Variant type: single nucleotide variant.
Coding change: c.104A>G on transcript NM_001374385.1 (MANE Select); coding-DNA position 104, A replaced by G.
Protein change: p.Asp35Gly; replaces aspartic acid 35 with glycine.
Molecular consequence: missense variant.
Genome position (GRCh38, 1-based): chr18:57,731,704, T>C on the plus strand (A>G on the coding strand, the complement: ATP8B1 is on the minus strand). VCF-style: chr18-57731704-T-C. GRCh37 (hg19) VCF-style: chr18-55398936-T-C.
Other names: c.52A>G, p.Thr18Ala (NM_001374386.1); c.104A>G, p.Asp35Gly (NM_005603.6); short protein forms D35G, T18A.
Identifiers: ClinVar variation 426784 (VCV000426784.2), dbSNP rs750811791, ClinGen allele CA8974952.